The following is an entry in ClinVar:

ClinVar aggregate classification (germline): Uncertain significance (1 of 4 stars; one submission).

Allele frequency attached by ClinVar (database versions not stated): ExAC 0.00001; gnomAD exomes 0.00001 and 0.00003; gnomAD 0.00003 and 0.00004; TOPMed 0.00003; ESP Exome Variant Server 0.00008.
gnomAD v4.1: 24 of 1,611,510 alleles (0.0015%); highest among the groups gnomAD compares: Admixed American, 0.015%; no homozygotes.

Submission:

Labcorp Genetics (formerly Invitae), Labcorp
Classification: Uncertain significance. Last evaluated: 2024-11-05. Review status: criteria provided, single submitter. Criteria: Invitae Variant Classification Sherloc (09022015). Collection method: clinical testing. Allele origin: germline.
Comment: This sequence change replaces glycine, which is neutral and non-polar, with serine, which is neutral and polar, at codon 416 of the NFKB1 protein (p.Gly416Ser). This variant is present in population databases (rs369442929, gnomAD 0.01%). This variant has not been reported in the literature in individuals affected with NFKB1-related conditions. ClinVar contains an entry for this variant (Variation ID: 1497357). Invitae Evidence Modeling of protein sequence and biophysical properties (such as structural, functional, and spatial information, amino acid conservation, physicochemical variation, residue mobility, and thermodynamic stability) indicates that this missense variant is not expected to disrupt NFKB1 protein function with a negative predictive value of 80%. In summary, the available evidence is currently insufficient to determine the role of this variant in disease. Therefore, it has been classified as a Variant of Uncertain Significance.

NM_003998.4(NFKB1):c.1246G>A (p.Gly416Ser)

Gene: NFKB1 (nuclear factor kappa B subunit 1; plus strand). Cytogenetic location: 4q24.
Variant type: single nucleotide variant.
Coding change: c.1246G>A on transcript NM_003998.4 (MANE Select); coding-DNA position 1246, G replaced by A.
Protein change: p.Gly416Ser; replaces glycine 416 with serine.
Molecular consequence: missense variant.
Genome position (GRCh38, 1-based): chr4:102,594,927, G>A. VCF-style: chr4-102594927-G-A. GRCh37 (hg19) VCF-style: chr4-103516084-G-A.
Other names: c.1243G>A, p.Gly415Ser (NM_001165412.2, NM_001319226.2, NM_001382627.1); c.1246G>A, p.Gly416Ser (NM_001382625.1, NM_001382626.1); c.1204G>A, p.Gly402Ser (NM_001382628.1); short protein forms G416S, G402S, G415S.
Identifiers: ClinVar variation 1497357 (VCV001497357.8), dbSNP rs369442929, ClinGen allele CA3026110.